The following is an entry in ClinVar:

ClinVar aggregate classification (germline): Likely benign (0 of 4 stars; one submission).

Conditions:
KIDINS220-related disorder. Also called: KIDINS220-related condition.

gnomAD v4.1: 4 of 1,595,732 alleles (0.00025%); highest among the groups gnomAD compares: Non-Finnish European, 0.00034%; no homozygotes.

Submission:

PreventionGenetics, part of Exact Sciences
Classification: Likely benign for KIDINS220-related condition. Last evaluated: 2023-07-27. Review status: no assertion criteria provided. Collection method: clinical testing. Allele origin: germline.
Comment: This variant is classified as likely benign based on ACMG/AMP sequence variant interpretation guidelines (Richards et al. 2015 PMID: 25741868, with internal and published modifications).

NM_020738.4(KIDINS220):c.2229+10C>T

Gene: KIDINS220 (kinase D interacting substrate 220; minus strand). Cytogenetic location: 2p25.1.
Variant type: single nucleotide variant.
Coding change: c.2229+10C>T on transcript NM_020738.4 (MANE Select); 10 bases into the intron after coding-DNA position 2229, C replaced by T.
Molecular consequence: intron variant.
Genome position (GRCh38, 1-based): chr2:8,785,731, G>A on the plus strand (C>T on the coding strand, the complement: KIDINS220 is on the minus strand). VCF-style: chr2-8785731-G-A. GRCh37 (hg19) VCF-style: chr2-8925861-G-A.
Other names: c.2229+10C>T (NM_001348741.2, NM_001348738.2, NM_001348742.2 and 3 more transcripts); c.2232+10C>T (NM_001348739.2, NM_001348740.2, NM_001348734.2 and 3 more transcripts); c.2103+10C>T (NM_001348736.2).
Identifiers: ClinVar variation 3349776 (VCV003349776.1).
Genomic context (GRCh38, chr2:8,785,731, plus strand): 5'-AGCCCAAATGAGCATGGCAGTGGCAACATATTCGCATTACAATTTTTTCTAATAACCAAT[G>A]AGTGCTTACTTTCATGAATCCTTCACTTTTCAATTTGTGCAGTTTGGAGGCTGCATTATG-3'